The following is an entry in ClinVar:

NM_018972.4(GDAP1):c.*1639A>T

Gene: GDAP1 (ganglioside induced differentiation associated protein 1; plus strand). Cytogenetic location: 8q21.11.
Variant type: single nucleotide variant.
Coding change: c.*1639A>T on transcript NM_018972.4 (MANE Select); 1639 bases downstream of the stop codon, A replaced by T.
Molecular consequence: 3 prime UTR variant. On other transcripts: intron variant (1).
Genome position (GRCh38, 1-based): chr8:74,366,006, A>T. VCF-style: chr8-74366006-A-T. GRCh37 (hg19) VCF-style: chr8-75278241-A-T.
Other names: c.*1639A>T (NM_001040875.4, NM_001362929.2, NM_001362930.2 and 1 more transcripts); c.694+2953A>T (NM_001362931.2).
Identifiers: ClinVar variation 910949 (VCV000910949.32), dbSNP rs145245478, ClinGen allele CA4785330.

ClinVar aggregate classification (germline): Likely benign. Review status: criteria provided, multiple submitters, no conflicts (2 of 4 stars). 3 submissions from 2 submitters: Likely benign (3). Last evaluated 2023-07-01.

Conditions:
Charcot-Marie-Tooth disease recessive intermediate A (CMTRIA). Also called: CHARCOT-MARIE-TOOTH NEUROPATHY, RECESSIVE INTERMEDIATE A. Identifiers: Orphanet 217055, MedGen C1842197, MONDO:0012014, OMIM 608340.
Charcot-Marie-Tooth disease, axonal, with vocal cord paresis, autosomal recessive. Also called: CHARCOT-MARIE-TOOTH DISEASE, TYPE 4A, AXONAL FORM; CHARCOT-MARIE-TOOTH NEUROPATHY, AXONAL, WITH VOCAL CORD PARESIS, AUTOSOMAL RECESSIVE; CMT2 WITH VOCAL CORD PARESIS, AUTOSOMAL RECESSIVE. Identifiers: Orphanet 101097, MedGen C1843183, MONDO:0011898, OMIM 607706.

Allele frequency attached by ClinVar (database versions not stated): 1000 Genomes Project 30x 0.00359; TOPMed 0.00490.
gnomAD v4.1: 2,908 of 451,852 alleles (0.64%); highest among the groups gnomAD compares: Middle Eastern, 1.8%; 23 homozygotes.

Submissions (3):

CeGaT Center for Human Genetics Tuebingen
Classification: Likely benign. Last evaluated: 2023-07-01. Review status: criteria provided, single submitter. Criteria: CeGaT Center For Human Genetics Tuebingen Variant Classification Criteria Version 2. Collection method: clinical testing. Allele origin: germline. Affected: yes. Observed: 7 variant alleles.
Comment: GDAP1: BS2

Illumina Laboratory Services, Illumina
Classification: Likely benign for Charcot-Marie-Tooth disease, axonal, with vocal cord paresis, autosomal recessive. Last evaluated: 2018-01-12. Review status: criteria provided, single submitter. Criteria: ICSL Variant Classification Criteria 13 December 2019. Collection method: clinical testing. Allele origin: germline.
Comment: This variant was observed in the ICSL laboratory as part of a predisposition screen in an ostensibly healthy population. It had not been previously curated by ICSL or reported in the Human Gene Mutation Database (HGMD: prior to June 1st, 2018), and was therefore a candidate for classification through an automated scoring system. Utilizing variant allele frequency, disease prevalence and penetrance estimates, and inheritance mode, an automated score was calculated to assess if this variant is too frequent to cause the disease. Based on the score and internal cut-off values, a variant classified as likely benign is not then subjected to further curation. The score for this variant resulted in a classification of likely benign for this disease.

Illumina Laboratory Services, Illumina
Classification: Likely benign for Charcot-Marie-Tooth disease recessive intermediate A. Last evaluated: 2018-01-12. Review status: criteria provided, single submitter. Criteria: ICSL Variant Classification Criteria 13 December 2019. Collection method: clinical testing. Allele origin: germline.
Comment: the same text as in the submission from Illumina Laboratory Services, Illumina above.